The following is an entry in ClinVar:

NM_001197104.1:c.(4332+1_4333-1)_(6505+1_6506-1)del

Gene: KMT2A (lysine methyltransferase 2A; plus strand).
Variant type: Deletion.
Identifiers: ClinVar variation 1285418 (VCV001285418.1).

ClinVar aggregate classification (germline): Pathogenic (1 of 4 stars; one submission).

Conditions:
Wiedemann-Steiner syndrome (WDSTS). Also called: Growth deficiency and mental retardation with facial dysmorphism. Identifiers: Orphanet 319182, MedGen C1854630, MONDO:0011518, OMIM 605130.

Submission:

Institute of Human Genetics, University of Leipzig Medical Center
Classification: Pathogenic for Wiedemann-Steiner syndrome. Last evaluated: 2020-10-20. Review status: criteria provided, single submitter. Criteria: ACMG Guidelines, 2015. Collection method: clinical testing. Allele origin: de novo. Affected: yes.
Comment: This variant was identified as de novo (maternity and paternity confirmed).